The following is an entry in ClinVar:

ClinVar aggregate classification (germline): Uncertain significance. Review status: criteria provided, multiple submitters, no conflicts (2 of 4 stars). 5 submissions from 5 submitters: Uncertain significance (5). Last evaluated 2025-12-24.

Conditions:
Familial thoracic aortic aneurysm and aortic dissection (TAAD). Also called: Thoracic aortic aneurysms and dissections. Identifiers: Orphanet 91387, MedGen C4707243, MONDO:0019625.
Aortic aneurysm, familial thoracic 4 (AAT4). Also called: AORTIC ANEURYSM/AORTIC DISSECTION AND PATENT DUCTUS ARTERIOSUS. Identifiers: MedGen C1851504, MONDO:0007568, OMIM 132900.

Allele frequency attached by ClinVar (database versions not stated): gnomAD exomes 0.00001; ExAC 0.00002; TOPMed 0.00002; ESP Exome Variant Server 0.00008.
gnomAD v4.1: 9 of 1,613,908 alleles (0.00056%); highest among the groups gnomAD compares: Middle Eastern, 0.016%; no homozygotes.

Submissions (5):

Labcorp Genetics (formerly Invitae), Labcorp
Classification: Uncertain significance for Aortic aneurysm, familial thoracic 4. Last evaluated: 2025-12-24. Review status: criteria provided, single submitter. Criteria: Invitae Variant Classification Sherloc (09022015). Collection method: clinical testing. Allele origin: germline.
Comment: This sequence change replaces alanine, which is neutral and non-polar, with threonine, which is neutral and polar, at codon 649 of the MYH11 protein (p.Ala649Thr). This variant is present in population databases (rs371750065, gnomAD 0.008%). This variant has not been reported in the literature in individuals affected with MYH11-related conditions. ClinVar contains an entry for this variant (Variation ID: 928404). Invitae Evidence Modeling of protein sequence and biophysical properties (such as structural, functional, and spatial information, amino acid conservation, physicochemical variation, residue mobility, and thermodynamic stability) indicates that this missense variant is not expected to disrupt MYH11 protein function with a negative predictive value of 95%. In summary, the available evidence is currently insufficient to determine the role of this variant in disease. Therefore, it has been classified as a Variant of Uncertain Significance.

Color Diagnostics, LLC DBA Color Health
Classification: Uncertain significance for Familial thoracic aortic aneurysm and aortic dissection. Last evaluated: 2024-03-06. Review status: criteria provided, single submitter. Criteria: ACMG Guidelines, 2015. Collection method: clinical testing. Allele origin: germline.
Comment: This missense variant replaces alanine with threonine at codon 649 of the MYH11 protein. Computational prediction suggests that this variant may not impact protein structure and function (internally defined REVEL score threshold <= 0.5, PMID: 27666373). To our knowledge, functional studies have not been reported for this variant. This variant has not been reported in individuals affected with cardiovascular disorders in the literature. This variant has been identified in 4/281678 chromosomes in the general population by the Genome Aggregation Database (gnomAD). The available evidence is insufficient to determine the role of this variant in disease conclusively. Therefore, this variant is classified as a Variant of Uncertain Significance.

All of Us Research Program, National Institutes of Health
Classification: Uncertain significance for Familial thoracic aortic aneurysm and aortic dissection. Last evaluated: 2023-12-13. Review status: criteria provided, single submitter. Criteria: ACMG Guidelines, 2015. Collection method: clinical testing. Allele origin: germline. Inheritance: Autosomal dominant inheritance. Observed: 1 variant allele, 1 heterozygote.
Comment: This missense variant replaces alanine with threonine at codon 649 of the MYH11 protein. Computational prediction suggests that this variant may not impact protein structure and function (internally defined REVEL score threshold <= 0.5, PMID: 27666373). To our knowledge, functional studies have not been reported for this variant. This variant has not been reported in individuals affected with cardiovascular disorders in the literature. This variant has been identified in 4/281678 chromosomes in the general population by the Genome Aggregation Database (gnomAD). The available evidence is insufficient to determine the role of this variant in disease conclusively. Therefore, this variant is classified as a Variant of Uncertain Significance.

This study involves interpretation of variants in research participants for the purpose of population health screening. Participant phenotype was not available at the time of variant classification. Additional details can be found in publication PMID: 35346344, PMCID: PMC8962531

Ambry Genetics
Classification: Uncertain significance for Familial thoracic aortic aneurysm and aortic dissection. Last evaluated: 2022-07-23. Review status: criteria provided, single submitter. Criteria: Ambry Variant Classification Scheme 2023. Collection method: clinical testing. Allele origin: germline.
Comment: The p.A642T variant (also known as c.1924G>A), located in coding exon 15 of the MYH11 gene, results from a G to A substitution at nucleotide position 1924. The alanine at codon 642 is replaced by threonine, an amino acid with similar properties. This amino acid position is conserved. In addition, this alteration is predicted to be tolerated by in silico analysis. Since supporting evidence is limited at this time, the clinical significance of this alteration remains unclear.

Revvity Omics, Revvity
Classification: Uncertain significance. Last evaluated: 2021-04-20. Review status: criteria provided, single submitter. Criteria: ACMG Guidelines, 2015. Collection method: clinical testing. Allele origin: germline.

NM_002474.3(MYH11):c.1924G>A (p.Ala642Thr)

Gene: MYH11 (myosin heavy chain 11; minus strand). Cytogenetic location: 16p13.11.
Variant type: single nucleotide variant.
Coding change: c.1924G>A on transcript NM_002474.3 (MANE Select); coding-DNA position 1924, G replaced by A.
Protein change: p.Ala642Thr; replaces alanine 642 with threonine.
Molecular consequence: missense variant.
Genome position (GRCh38, 1-based): chr16:15,750,272, C>T on the plus strand (G>A on the coding strand, the complement: MYH11 is on the minus strand). VCF-style: chr16-15750272-C-T. GRCh37 (hg19) VCF-style: chr16-15844129-C-T.
Other names: c.1945G>A, p.Ala649Thr (NM_001040113.2, NM_001040114.2); c.1924G>A, p.Ala642Thr (NM_022844.3); short protein forms A642T, A649T.
Identifiers: ClinVar variation 928404 (VCV000928404.12), dbSNP rs371750065, ClinGen allele CA7922465.